The following is an entry in ClinVar:

ClinVar aggregate classification (germline): Pathogenic. Review status: reviewed by expert panel (3 of 4 stars). 2 submissions from 2 submitters: Pathogenic (1). 1 of the submissions does not count toward it. Last evaluated 2016-10-18.

Conditions:
Breast-ovarian cancer, familial, susceptibility to, 1 (BROVCA1). Also called: BRCA1 Hereditary Breast and Ovarian Cancer; OVARIAN CANCER, SUSCEPTIBILITY TO. Identifiers: Orphanet 145, MedGen C2676676, MONDO:0011450, OMIM 604370. Disease mechanism: loss of function.

Submissions (2):

Evidence-based Network for the Interpretation of Germline Mutant Alleles (ENIGMA)
Classification: Pathogenic for Breast-ovarian cancer, familial, susceptibility to, 1. Last evaluated: 2016-10-18. Review status: reviewed by expert panel. Criteria: ENIGMA BRCA1/2 Classification Criteria (2015). Collection method: curation. Allele origin: germline.
Comment: Variant allele predicted to encode a truncated non-functional protein.

Consortium of Investigators of Modifiers of BRCA1/2 (CIMBA), c/o University of Cambridge
Classification: Pathogenic for Breast-ovarian cancer, familial, susceptibility to, 1. Last evaluated: 2015-10-02. Review status: criteria provided, single submitter. Criteria: CIMBA Mutation Classification guidelines May 2016. Collection method: clinical testing. Allele origin: germline. Not counted in ClinVar's aggregate classification.

NM_007294.4(BRCA1):c.2678dup (p.Lys894fs)

Gene: BRCA1 (BRCA1 DNA repair associated; minus strand). Cytogenetic location: 17q21.31.
Variant type: Duplication.
Coding change: c.2678dup on transcript NM_007294.4 (MANE Select); coding-DNA position 2678, one base duplicated (A; older notation c.2678dupA).
Protein change: p.Lys894fs; shifts the reading frame from lysine 894.
Molecular consequence: frameshift variant. On other transcripts: intron variant (137).
Genome position (GRCh38, 1-based): chr17:43,092,853, T duplicated on the plus strand (A on the coding strand, the reverse complement: BRCA1 is on the minus strand); the first of 3 consecutive T bases (chr17:43,092,853-43,092,855); duplicating any one gives the same sequence. VCF-style (leftmost placement, unchanged base first): chr17-43092852-C-CT. GRCh37 (hg19) VCF-style: chr17-41244869-C-CT.
Other names: 2797dupA; c.2678dup, p.Lys894fs (NM_007294.3, NM_001407581.1, NM_001407582.1 and 31 more transcripts); c.2465dup, p.Lys823fs (NM_001407571.1, NM_001407853.1, NM_001407894.1 and 9 more transcripts); c.2675dup, p.Lys893fs (NM_001407587.1, NM_001407590.1, NM_001407591.1 and 22 more transcripts); c.2669dup, p.Lys891fs (NM_001407646.1, NM_001407647.1); c.2555dup, p.Lys853fs (NM_001407648.1, NM_001407664.1, NM_001407665.1 and 19 more transcripts); c.2552dup, p.Lys852fs (NM_001407649.1, NM_001407670.1, NM_001407671.1 and 11 more transcripts); c.2600dup, p.Lys868fs (NM_001407653.1, NM_001407654.1, NM_001407655.1 and 4 more transcripts); and 42 more; short protein forms K894fs, K847fs, K726fs, K767fs, K783fs, K805fs, K826fs, K846fs.
Identifiers: ClinVar variation 266291 (VCV000266291.7), dbSNP rs886040060, ClinGen allele CA10589825.